The following is an entry in ClinVar:

ClinVar aggregate classification (germline): Uncertain significance (1 of 4 stars; one submission).

Conditions:
Inborn genetic diseases. Identifiers: MedGen C0950123, MeSH D030342.

Submission:

Ambry Genetics
Classification: Uncertain significance for Inborn genetic diseases. Last evaluated: 2024-12-12. Review status: criteria provided, single submitter. Criteria: Ambry Variant Classification Scheme 2023. Collection method: clinical testing. Allele origin: germline.
Comment: The p.Q38H variant (also known as c.114G>T), located in coding exon 1 of the GATA2 gene, results from a G to T substitution at nucleotide position 114. The glutamine at codon 38 is replaced by histidine, an amino acid with highly similar properties. This amino acid position is conserved. In addition, the in silico prediction for this alteration is inconclusive. Based on the available evidence, the clinical significance of this variant remains unclear.

NM_032638.5(GATA2):c.114G>T (p.Gln38His)

Gene: GATA2 (GATA binding protein 2; minus strand). Cytogenetic location: 3q21.3.
Variant type: single nucleotide variant.
Coding change: c.114G>T on transcript NM_032638.5 (MANE Select); coding-DNA position 114, G replaced by T.
Protein change: p.Gln38His; replaces glutamine 38 with histidine.
Molecular consequence: missense variant.
Genome position (GRCh38, 1-based): chr3:128,486,918, C>A on the plus strand (G>T on the coding strand, the complement: GATA2 is on the minus strand). VCF-style: chr3-128486918-C-A. GRCh37 (hg19) VCF-style: chr3-128205761-C-A.
Other names: c.114G>T, p.Gln38His (NM_001145661.2, NM_001145662.1); short protein forms Q38H.
Identifiers: ClinVar variation 3853002 (VCV003853002.1).
Genomic context (GRCh38, chr3:128,486,918, plus strand): 5'-GGGGTTGCCCTGCGAGTCGAGGTGATTGAAGAAGACGTCCACCTCGTCTGGAGGCAGCAG[C>A]TGCGCGGGTTCCATGTAGTTGTGCGCCAGGCCCGGGTGGTGTGAGTCGGGGTGCTGCGCA-3'
Protein context (NP_116027.2, residues 28-48): GLAHNYMEPA[Gln38His]LLPPDEVDVF